The following is an entry in ClinVar:

NM_139057.4(ADAMTS17):c.2218A>G (p.Thr740Ala)

Gene: ADAMTS17 (ADAM metallopeptidase with thrombospondin type 1 motif 17; minus strand). Cytogenetic location: 15q26.3.
Variant type: single nucleotide variant.
Coding change: c.2218A>G on transcript NM_139057.4 (MANE Select); coding-DNA position 2218, A replaced by G.
Protein change: p.Thr740Ala; replaces threonine 740 with alanine.
Molecular consequence: missense variant.
Genome position (GRCh38, 1-based): chr15:100,053,974, T>C on the plus strand (A>G on the coding strand, the complement: ADAMTS17 is on the minus strand). VCF-style: chr15-100053974-T-C. GRCh37 (hg19) VCF-style: chr15-100594179-T-C.
Other names: short protein forms T740A.
Identifiers: ClinVar variation 2087761 (VCV002087761.5), dbSNP rs755944562, ClinGen allele CA7757822.

ClinVar aggregate classification (germline): Uncertain significance. Review status: criteria provided, multiple submitters, no conflicts (2 of 4 stars). 2 submissions from 2 submitters: Uncertain significance (2). Last evaluated 2022-07-26.

Conditions:
Inborn genetic diseases. Identifiers: MedGen C0950123, MeSH D030342.

Allele frequency attached by ClinVar (database versions not stated): gnomAD exomes below 0.00001; TOPMed 0.00001; ExAC 0.00002.
gnomAD v4.1: 6 of 1,614,200 alleles (0.00037%); highest among the groups gnomAD compares: East Asian, 0.0022%; no homozygotes.

Submissions (2):

Ambry Genetics
Classification: Uncertain significance for Inborn genetic diseases. Last evaluated: 2022-07-26. Review status: criteria provided, single submitter. Criteria: Ambry Variant Classification Scheme 2023. Collection method: clinical testing. Allele origin: germline.

Labcorp Genetics (formerly Invitae), Labcorp
Classification: Uncertain significance. Last evaluated: 2022-06-23. Review status: criteria provided, single submitter. Criteria: Invitae Variant Classification Sherloc (09022015). Collection method: clinical testing. Allele origin: germline.
Comment: In summary, the available evidence is currently insufficient to determine the role of this variant in disease. Therefore, it has been classified as a Variant of Uncertain Significance. Algorithms developed to predict the effect of missense changes on protein structure and function are either unavailable or do not agree on the potential impact of this missense change (SIFT: "Not Available"; PolyPhen-2: "Possibly Damaging"; Align-GVGD: "Not Available"). This variant has not been reported in the literature in individuals affected with ADAMTS17-related conditions. This variant is present in population databases (rs755944562, gnomAD 0.003%). This sequence change replaces threonine, which is neutral and polar, with alanine, which is neutral and non-polar, at codon 740 of the ADAMTS17 protein (p.Thr740Ala).